The following is an entry in ClinVar:

ClinVar aggregate classification (germline): Uncertain significance. Review status: criteria provided, multiple submitters, no conflicts (2 of 4 stars). 2 submissions from 2 submitters: Uncertain significance (2). Last evaluated 2025-01-06.

Conditions:
Hermansky-Pudlak syndrome 5 (HPS5). Identifiers: Orphanet 231512, Orphanet 79430, MedGen C3888004, MONDO:0013557, OMIM 614074.

Allele frequency attached by ClinVar (database versions not stated): gnomAD exomes below 0.00001; gnomAD 0.00001; TOPMed 0.00001.
gnomAD v4.1: 33 of 1,614,100 alleles (0.002%); highest among the groups gnomAD compares: Non-Finnish European, 0.0028%; no homozygotes.

Submissions (2):

Women's Health and Genetics/Laboratory Corporation of America, LabCorp
Classification: Uncertain significance. Last evaluated: 2025-01-06. Review status: criteria provided, single submitter. Criteria: LabCorp Variant Classification Summary - May 2015. Collection method: clinical testing. Allele origin: germline.
Comment: Variant summary: HPS5 c.3214G>A (p.Ala1072Thr) results in a non-conservative amino acid change located in the HPS5 TPR domain of the encoded protein sequence. Four of five in-silico tools predict a benign effect of the variant on protein function. The variant allele was found at a frequency of 4e-06 in 251478 control chromosomes. The available data on variant occurrences in the general population are insufficient to allow any conclusion about variant significance. To our knowledge, no occurrence of c.3214G>A in individuals affected with Hermansky-Pudlak Syndrome and no experimental evidence demonstrating its impact on protein function have been reported. ClinVar contains an entry for this variant (Variation ID: 303868). Based on the evidence outlined above, the variant was classified as uncertain significance.

Illumina Laboratory Services, Illumina
Classification: Uncertain significance for Hermansky-Pudlak syndrome 5. Last evaluated: 2018-01-12. Review status: criteria provided, single submitter. Criteria: ICSL Variant Classification Criteria 13 December 2019. Collection method: clinical testing. Allele origin: germline.

NM_181507.2(HPS5):c.3214G>A (p.Ala1072Thr)

Gene: HPS5 (HPS5 biogenesis of lysosomal organelles complex 2 subunit 2; minus strand). Cytogenetic location: 11p15.1.
Variant type: single nucleotide variant.
Coding change: c.3214G>A on transcript NM_181507.2 (MANE Select); coding-DNA position 3214, G replaced by A.
Protein change: p.Ala1072Thr; replaces alanine 1072 with threonine.
Molecular consequence: missense variant.
Genome position (GRCh38, 1-based): chr11:18,282,065, C>T on the plus strand (G>A on the coding strand, the complement: HPS5 is on the minus strand). VCF-style: chr11-18282065-C-T. GRCh37 (hg19) VCF-style: chr11-18303612-C-T.
Other names: c.2872G>A, p.Ala958Thr (NM_007216.4, NM_181508.2); short protein forms A1072T, A958T.
Identifiers: ClinVar variation 303868 (VCV000303868.7), dbSNP rs886048075, ClinGen allele CA10638663.